The following is an entry in ClinVar:

NM_017763.6(RNF43):c.2266C>T (p.Pro756Ser)

Gene: RNF43 (ring finger protein 43; minus strand). Cytogenetic location: 17q22.
Variant type: single nucleotide variant.
Coding change: c.2266C>T on transcript NM_017763.6 (MANE Select); coding-DNA position 2266, C replaced by T.
Protein change: p.Pro756Ser; replaces proline 756 with serine.
Molecular consequence: missense variant.
Genome position (GRCh38, 1-based): chr17:58,357,510, G>A on the plus strand (C>T on the coding strand, the complement: RNF43 is on the minus strand). VCF-style: chr17-58357510-G-A. GRCh37 (hg19) VCF-style: chr17-56434871-G-A.
Other names: c.2266C>T, p.Pro756Ser (NM_001305544.3, NM_001438820.1, NM_001438821.1 and 1 more transcripts); c.1885C>T, p.Pro629Ser (NM_001305545.2, NM_001437987.1); short protein forms P629S, P756S.
Identifiers: ClinVar variation 4155788 (VCV004155788.1).

ClinVar aggregate classification (germline): Uncertain significance (1 of 4 stars; one submission).

gnomAD v4.1: 1 of 1,614,106 alleles (0.000062%); highest among the groups gnomAD compares: Non-Finnish European, 0.000085%; no homozygotes.

Submission:

Ambry Genetics
Classification: Uncertain significance. Last evaluated: 2025-08-20. Review status: criteria provided, single submitter. Criteria: Ambry Variant Classification Scheme 2023. Collection method: clinical testing. Allele origin: germline.
Comment: The p.P756S variant (also known as c.2266C>T), located in coding exon 8 of the RNF43 gene, results from a C to T substitution at nucleotide position 2266. The proline at codon 756 is replaced by serine, an amino acid with similar properties. This amino acid position is conserved. In addition, this alteration is predicted to be tolerated by in silico analysis. Based on the available evidence, the clinical significance of this variant remains unclear.